The following is an entry in ClinVar:

NM_002609.4(PDGFRB):c.1996A>C (p.Asn666His)

Gene: PDGFRB (platelet derived growth factor receptor beta; minus strand). Cytogenetic location: 5q32.
Variant type: single nucleotide variant.
Coding change: c.1996A>C on transcript NM_002609.4 (MANE Select); coding-DNA position 1996, A replaced by C.
Protein change: p.Asn666His; replaces asparagine 666 with histidine.
Molecular consequence: missense variant.
Genome position (GRCh38, 1-based): chr5:150,124,277, T>G on the plus strand (A>C on the coding strand, the complement: PDGFRB is on the minus strand). VCF-style: chr5-150124277-T-G. GRCh37 (hg19) VCF-style: chr5-149503840-T-G.
Other names: c.1804A>C, p.Asn602His (NM_001355016.2); c.1513A>C, p.Asn505His (NM_001355017.2); short protein forms N666H, N505H, N602H.
Identifiers: ClinVar variation 208692 (VCV000208692.4), dbSNP rs797044887, ClinGen allele CA204694.

ClinVar aggregate classification (germline): Pathogenic/Likely pathogenic. Review status: criteria provided, multiple submitters, no conflicts (2 of 4 stars). 2 submissions from 2 submitters: Pathogenic (1); Likely pathogenic (1). Last evaluated 2024-07-16.

Conditions:
Inborn genetic diseases. Identifiers: MedGen C0950123, MeSH D030342.
Acroosteolysis-keloid-like lesions-premature aging syndrome. Also called: Progeroid syndrome, Penttinen type; Premature aging syndrome, Penttinen type; Prematurely aged appearance, delayed bone maturation, acro-osteolysis, and brachydactyly. Identifiers: Orphanet 363665, MedGen C1866182, MONDO:0011150, OMIM 601812.
Skeletal overgrowth-craniofacial dysmorphism-hyperelastic skin-white matter lesions syndrome. Also called: SKELETAL OVERGROWTH WITH FACIAL DYSMORPHISM, HYPERELASTIC SKIN, WHITE MATTER LESIONS, AND NEUROLOGIC DETERIORATION; Kosaki overgrowth syndrome. Identifiers: Orphanet 477831, MedGen C4225270, MONDO:0014704, OMIM 616592.
Basal ganglia calcification, idiopathic, 4 (PFBC4). Also called: Familial Idiopathic Basal Ganglia Calcification 4; PRIMARY FAMILIAL BRAIN CALCIFICATION 4, AUTOSOMAL DOMINANT. Identifiers: Orphanet 1980, MedGen C3554321, MONDO:0014004, OMIM 615007.
Infantile myofibromatosis (IMF). Also called: Congenital generalized fibromatosis. Identifiers: Orphanet 2591, MedGen C0432284, MONDO:0016824.

Submissions (2):

Labcorp Genetics (formerly Invitae), Labcorp
Classification: Pathogenic for Basal ganglia calcification, idiopathic, 4; Skeletal overgrowth-craniofacial dysmorphism-hyperelastic skin-white matter lesions syndrome; Infantile myofibromatosis; Acroosteolysis-keloid-like lesions-premature aging syndrome. Last evaluated: 2024-07-16. Review status: criteria provided, single submitter. Criteria: Invitae Variant Classification Sherloc (09022015). Collection method: clinical testing. Allele origin: germline.
Comment: This sequence change replaces asparagine, which is neutral and polar, with histidine, which is basic and polar, at codon 666 of the PDGFRB protein (p.Asn666His). This variant is not present in population databases (gnomAD no frequency). This missense change has been observed in individual(s) with Koaski overgrowth syndrome (PMID: 28726812). In at least one individual the variant was observed to be de novo. ClinVar contains an entry for this variant (Variation ID: 208692). Advanced modeling of protein sequence and biophysical properties (such as structural, functional, and spatial information, amino acid conservation, physicochemical variation, residue mobility, and thermodynamic stability) has been performed at Invitae for this missense variant, however the output from this modeling did not meet the statistical confidence thresholds required to predict the impact of this variant on PDGFRB protein function. Experimental studies have shown that this missense change affects PDGFRB function (PMID: 28726812). This variant disrupts the p.Asn666 amino acid residue in PDGFRB. Other variant(s) that disrupt this residue have been determined to be pathogenic (PMID: 30573803). This suggests that this residue is clinically significant, and that variants that disrupt this residue are likely to be disease-causing. For these reasons, this variant has been classified as Pathogenic.

Ambry Genetics
Classification: Likely pathogenic for Inborn genetic diseases. Review status: criteria provided, single submitter. Criteria: Ambry exome assertion method (8-5-2015). Collection method: clinical testing. Allele origin: germline. Inheritance: Autosomal dominant inheritance. Affected: yes. Observed: 1 heterozygote. Segregation with disease observed.
Comment: LIKELY POSITIVE: Relevant Alteration(s) Detected

Literature cited by the submitters: PubMed 28726812 (cited by Labcorp Genetics (formerly Invitae), Labcorp); PubMed 30573803 (cited by Labcorp Genetics (formerly Invitae), Labcorp); PubMed 25356970 (cited by Ambry Genetics).